The following is an entry in ClinVar:

NM_001029883.3(PCARE):c.3386C>G (p.Ser1129Cys)

Gene: PCARE (photoreceptor cilium actin regulator; minus strand). Cytogenetic location: 2p23.2.
Variant type: single nucleotide variant.
Coding change: c.3386C>G on transcript NM_001029883.3 (MANE Select); coding-DNA position 3386, C replaced by G.
Protein change: p.Ser1129Cys; replaces serine 1129 with cysteine.
Molecular consequence: missense variant.
Genome position (GRCh38, 1-based): chr2:29,070,876, G>C on the plus strand (C>G on the coding strand, the complement: PCARE is on the minus strand). VCF-style: chr2-29070876-G-C. GRCh37 (hg19) VCF-style: chr2-29293742-G-C.
Other names: short protein forms S1129C.
Identifiers: ClinVar variation 1465941 (VCV001465941.8), dbSNP rs1667463076, ClinGen allele CA346475099.

ClinVar aggregate classification (germline): Uncertain significance (1 of 4 stars; one submission).

Allele frequency attached by ClinVar (database versions not stated): TOPMed below 0.00001.

Submission:

Labcorp Genetics (formerly Invitae), Labcorp
Classification: Uncertain significance. Last evaluated: 2021-03-18. Review status: criteria provided, single submitter. Criteria: Invitae Variant Classification Sherloc (09022015). Collection method: clinical testing. Allele origin: germline.
Comment: This variant is not present in population databases (ExAC no frequency). This sequence change replaces serine with cysteine at codon 1129 of the PCARE protein (p.Ser1129Cys). The serine residue is highly conserved and there is a moderate physicochemical difference between serine and cysteine. This variant has not been reported in the literature in individuals with PCARE-related conditions. In summary, the available evidence is currently insufficient to determine the role of this variant in disease. Therefore, it has been classified as a Variant of Uncertain Significance. Algorithms developed to predict the effect of missense changes on protein structure and function are either unavailable or do not agree on the potential impact of this missense change (SIFT: "Deleterious"; PolyPhen-2: "Probably Damaging"; Align-GVGD: "Class C0").